The following is an entry in ClinVar:

NM_003500.4(ACOX2):c.172C>A (p.His58Asn)

Gene: ACOX2 (acyl-CoA oxidase 2; minus strand). Cytogenetic location: 3p14.3.
Variant type: single nucleotide variant.
Coding change: c.172C>A on transcript NM_003500.4 (MANE Select); coding-DNA position 172, C replaced by A.
Protein change: p.His58Asn; replaces histidine 58 with asparagine.
Molecular consequence: missense variant.
Genome position (GRCh38, 1-based): chr3:58,534,511, G>T on the plus strand (C>A on the coding strand, the complement: ACOX2 is on the minus strand). VCF-style: chr3-58534511-G-T. GRCh37 (hg19) VCF-style: chr3-58520238-G-T.
Other names: short protein forms H58N.
Identifiers: ClinVar variation 4993754 (VCV004993754.1).

ClinVar aggregate classification (germline): Uncertain significance (1 of 4 stars; one submission).

Conditions:
ACOX2-related disorder. Also called: ACOX2-related condition.

gnomAD v4.1: 88 of 1,614,074 alleles (0.0055%); highest among the groups gnomAD compares: Middle Eastern, 0.033%; no homozygotes.

Submission:

PreventionGenetics, part of Exact Sciences
Classification: Uncertain significance for ACOX2-related condition. Last evaluated: 2025-08-05. Review status: criteria provided, single submitter. Criteria: ACMG Guidelines, 2015. Collection method: clinical testing. Allele origin: germline.
Comment: The ACOX2 c.172C>A variant is predicted to result in the amino acid substitution p.His58Asn. To our knowledge, this variant has not been reported in the literature. This variant is reported in 0.014% of alleles in individuals of European (Non-Finnish) descent in gnomAD. At this time, the clinical significance of this variant is uncertain due to the absence of conclusive functional and genetic evidence.